The following is an entry in ClinVar:

ClinVar aggregate classification (germline): Uncertain significance (1 of 4 stars; one submission).

Conditions:
Neurodevelopmental disorder with dysmorphic facies and thin corpus callosum. Identifiers: MedGen C5551361, MONDO:0859179, OMIM 619480.

Submission:

Victorian Clinical Genetics Services, Murdoch Childrens Research Institute
Classification: Uncertain significance for Neurodevelopmental disorder with dysmorphic facies and thin corpus callosum. Last evaluated: 2023-07-17. Review status: criteria provided, single submitter. Criteria: ACMG Guidelines, 2015. Collection method: clinical testing. Allele origin: germline. Inheritance: Autosomal dominant inheritance.
Comment: Based on the classification scheme VCGS_Germline_v1.3.4, this variant is classified as VUS-3B. Following criteria are met: 0105 - The mechanism of disease for this gene is not clearly established (PMID: 31924697). (I) 0107 - This gene is associated with autosomal dominant disease. (I) 0201 - Variant is predicted to cause nonsense-mediated decay (NMD) and loss of protein (premature termination codon is located at least 54 nucleotides upstream of the final exon-exon junction). (SP) 0251 - This variant is heterozygous. (I) 0301 - Variant is absent from gnomAD (both v2 and v3). (SP) 0705 - No comparable NMD-predicted variants have previous evidence for pathogenicity. (I) 0807 - This variant has no previous evidence of pathogenicity. (I) 0905 - No published segregation evidence has been identified for this variant. (I) 1007 - No published functional evidence has been identified for this variant. (I) Legend: (SP) - Supporting pathogenic, (I) - Information, (SB) - Supporting benign

Literature cited by the submitters: PubMed 31924697.

NM_007192.4(SUPT16H):c.2087_2088del (p.Lys696fs)

Gene: SUPT16H (SPT16 homolog, facilitates chromatin remodeling subunit; minus strand). Cytogenetic location: 14q11.2.
Variant type: Deletion.
Coding change: c.2087_2088del on transcript NM_007192.4 (MANE Select); coding-DNA positions 2087 to 2088, 2 bases deleted (AA; older notation c.2087_2088delAA).
Protein change: p.Lys696fs; shifts the reading frame from lysine 696.
Molecular consequence: frameshift variant.
Genome position (GRCh38, 1-based): chr14:21,360,502-21,360,503, TT deleted on the plus strand (AA on the coding strand, the reverse complement: SUPT16H is on the minus strand); deleting any 2 consecutive bases within chr14:21,360,502-21,360,504 gives the same sequence; the c. name uses the placement nearest the transcript's 3' end. VCF-style (leftmost placement, unchanged base first): chr14-21360501-CTT-C. GRCh37 (hg19) VCF-style: chr14-21828660-CTT-C.
Other names: short protein forms K696fs.
Identifiers: ClinVar variation 3254761 (VCV003254761.1), dbSNP rs2503025896.